The following is an entry in ClinVar:

NM_000400.4(ERCC2):c.1102C>T (p.Gln368Ter)

Gene: ERCC2 (ERCC excision repair 2, TFIIH core complex helicase subunit; minus strand). Cytogenetic location: 19q13.32.
Variant type: single nucleotide variant.
Coding change: c.1102C>T on transcript NM_000400.4 (MANE Select); coding-DNA position 1102, C replaced by T.
Protein change: p.Gln368Ter; replaces glutamine 368 with a stop codon.
Molecular consequence: nonsense.
Genome position (GRCh38, 1-based): chr19:45,363,759, G>A on the plus strand (C>T on the coding strand, the complement: ERCC2 is on the minus strand). VCF-style: chr19-45363759-G-A. GRCh37 (hg19) VCF-style: chr19-45867017-G-A.
Other names: c.1030C>T, p.Gln344Ter (NM_001130867.2); short protein forms Q344*, Q368*.
Identifiers: ClinVar variation 2736908 (VCV002736908.5), dbSNP rs1972310214, ClinGen allele CA406372055.

ClinVar aggregate classification (germline): Pathogenic. Review status: criteria provided, multiple submitters, no conflicts (2 of 4 stars). 2 submissions from 2 submitters: Pathogenic (2). Last evaluated 2023-10-30.

Conditions:
Trichothiodystrophy 1, photosensitive (TTD1). Also called: TAY SYNDROME; TRICHOTHIODYSTROPHY WITH CONGENITAL ICHTHYOSIS; PIBIDS SYNDROME. Identifiers: Orphanet 33364, MedGen C1866504, MONDO:0011125, OMIM 601675.
Cerebrooculofacioskeletal syndrome 2 (COFS2). Identifiers: MedGen C1853102, MONDO:0012553, OMIM 610756.
Xeroderma pigmentosum, group D (XPD). Also called: ERCC2-Related Xeroderma Pigmentosum; XERODERMA PIGMENTOSUM IV; XP, GROUP D; XP, GROUP H; XERODERMA PIGMENTOSUM, COMPLEMENTATION GROUP D. Identifiers: MedGen C0268138, MONDO:0010212, OMIM 278730.

Allele frequency attached by ClinVar (database versions not stated): gnomAD exomes below 0.00001.

Submissions (2):

Labcorp Genetics (formerly Invitae), Labcorp
Classification: Pathogenic. Last evaluated: 2023-10-30. Review status: criteria provided, single submitter. Criteria: Invitae Variant Classification Sherloc (09022015). Collection method: clinical testing. Allele origin: germline.
Comment: This sequence change creates a premature translational stop signal (p.Gln368*) in the ERCC2 gene. It is expected to result in an absent or disrupted protein product. Loss-of-function variants in ERCC2 are known to be pathogenic (PMID: 9238033, 11335038, 19085937, 19934020). This variant is not present in population databases (gnomAD no frequency). This premature translational stop signal has been observed in individual(s) with xeroderma pigmentosum (PMID: 24418926). For these reasons, this variant has been classified as Pathogenic.

Juno Genomics, Hangzhou Juno Genomics, Inc
Classification: Pathogenic for Xeroderma pigmentosum, group D; Cerebrooculofacioskeletal syndrome 2; Trichothiodystrophy 1, photosensitive. Review status: criteria provided, single submitter. Criteria: ACMG Guidelines, 2015. Collection method: clinical testing. Allele origin: germline.
Comment: Absent from controls (or at extremely low frequency if recessive) in Genome Aggregation Database.;Null variant in a gene where loss of function (LOF) is a known mechanism of disease.;For recessive disorders, detected in trans with a pathogenic variant.

Literature cited by the submitters: PubMed 9238033 (cited by Labcorp Genetics (formerly Invitae), Labcorp); PubMed 11335038 (cited by Labcorp Genetics (formerly Invitae), Labcorp); PubMed 19085937 (cited by Labcorp Genetics (formerly Invitae), Labcorp); PubMed 19934020 (cited by Labcorp Genetics (formerly Invitae), Labcorp); PubMed 24418926 (cited by Labcorp Genetics (formerly Invitae), Labcorp).